The following is an entry in ClinVar:

NM_001354604.2(MITF):c.1085G>A (p.Arg362Gln)

Gene: MITF (melanocyte inducing transcription factor; plus strand). Cytogenetic location: 3p13.
Variant type: single nucleotide variant.
Coding change: c.1085G>A on transcript NM_001354604.2 (MANE Select); coding-DNA position 1085, G replaced by A.
Protein change: p.Arg362Gln; replaces arginine 362 with glutamine.
Molecular consequence: missense variant.
Genome position (GRCh38, 1-based): chr3:69,959,326, G>A. VCF-style: chr3-69959326-G-A. GRCh37 (hg19) VCF-style: chr3-70008477-G-A.
Other names: c.764G>A, p.Arg255Gln (NM_000248.4); c.911G>A, p.Arg304Gln (NM_001184967.2, NM_001354608.2); c.1082G>A, p.Arg361Gln (NM_001354605.2); c.1064G>A, p.Arg355Gln (NM_001354606.2, NM_006722.3); c.1016G>A, p.Arg339Gln (NM_001354607.2); c.746G>A, p.Arg249Gln (NM_198158.3); c.1067G>A, p.Arg356Gln (NM_198159.3); c.1019G>A, p.Arg340Gln (NM_198177.3); and 1 more; short protein forms R193Q, R249Q, R255Q, R304Q, R339Q, R340Q, R355Q, R356Q.
Identifiers: ClinVar variation 1309550 (VCV001309550.15), dbSNP rs537021332, ClinGen allele CA2490567.

ClinVar aggregate classification (germline): Uncertain significance. Review status: criteria provided, multiple submitters, no conflicts (2 of 4 stars). 3 submissions from 3 submitters: Uncertain significance (3). Last evaluated 2026-06-01.

Conditions:
Melanoma, cutaneous malignant, susceptibility to, 8. Also called: MELANOMA AND RENAL CELL CARCINOMA, SUSCEPTIBILITY TO; Cutaneous malignant melanoma 8. Identifiers: Orphanet 293822, MedGen C3152204, MONDO:0013759, OMIM 614456.
Tietz syndrome (TADS). Also called: ALBINISM-DEAFNESS OF TIETZ; HYPOPIGMENTATION/DEAFNESS OF TIETZ; TIETZ ALBINISM-DEAFNESS SYNDROME. Identifiers: Orphanet 42665, MedGen C0391816, MONDO:0007077, OMIM 103500.
Waardenburg syndrome type 2A (WS2A). Also called: WAARDENBURG SYNDROME WITHOUT DYSTOPIA CANTHORUM. Identifiers: Orphanet 3440, MedGen C1860339, MONDO:0008671, OMIM 193510.
MITF-related disorder. Also called: MITF-related condition.

Allele frequency attached by ClinVar (database versions not stated): ExAC 0.00001; gnomAD exomes 0.00002 and 0.00004; gnomAD 0.00003 and 0.00004; TOPMed 0.00009; 1000 Genomes Project 30x 0.00016; 1000 Genomes Project 0.00020.
gnomAD v4.1: 65 of 1,614,012 alleles (0.004%); highest among the groups gnomAD compares: African/African-American, 0.015%; no homozygotes.

Submissions (3):

PreventionGenetics, part of Exact Sciences
Classification: Uncertain significance for MITF-related condition. Last evaluated: 2026-06-01. Review status: criteria provided, single submitter. Criteria: ACMG Guidelines, 2015. Collection method: clinical testing. Allele origin: germline.
Comment: The MITF c.764G>A variant is predicted to result in the amino acid substitution p.Arg255Gln. To our knowledge, this variant has not been reported in the literature. This variant is reported in 0.0062% of alleles in individuals of African descent in gnomAD. At this time, the clinical significance of this variant is uncertain due to the absence of conclusive functional and genetic evidence.

Labcorp Genetics (formerly Invitae), Labcorp
Classification: Uncertain significance for Melanoma, cutaneous malignant, susceptibility to, 8; Waardenburg syndrome type 2A; Tietz syndrome. Last evaluated: 2026-01-11. Review status: criteria provided, single submitter. Criteria: Invitae Variant Classification Sherloc (09022015). Collection method: clinical testing. Allele origin: germline.
Comment: This sequence change replaces arginine, which is basic and polar, with glutamine, which is neutral and polar, at codon 255 of the MITF protein (p.Arg255Gln). This variant is present in population databases (rs537021332, gnomAD 0.009%). This variant has not been reported in the literature in individuals affected with MITF-related conditions. ClinVar contains an entry for this variant (Variation ID: 1309550). Invitae Evidence Modeling of protein sequence and biophysical properties (such as structural, functional, and spatial information, amino acid conservation, physicochemical variation, residue mobility, and thermodynamic stability) indicates that this missense variant is expected to disrupt MITF protein function with a positive predictive value of 80%. In summary, the available evidence is currently insufficient to determine the role of this variant in disease. Therefore, it has been classified as a Variant of Uncertain Significance.

GeneDx
Classification: Uncertain significance. Last evaluated: 2025-10-28. Review status: criteria provided, single submitter. Criteria: GeneDx Variant Classification Process June 2021. Collection method: clinical testing. Allele origin: germline. Affected: yes.
Comment: In silico analysis supports that this missense variant has a deleterious effect on protein structure/function; Has not been previously published as pathogenic or benign to our knowledge